The following is an entry in ClinVar:

NM_006846.4(SPINK5):c.677A>G (p.Lys226Arg)

Gene: SPINK5 (serine peptidase inhibitor Kazal type 5; plus strand). Cytogenetic location: 5q32.
Variant type: single nucleotide variant.
Coding change: c.677A>G on transcript NM_006846.4 (MANE Select); coding-DNA position 677, A replaced by G.
Protein change: p.Lys226Arg; replaces lysine 226 with arginine.
Molecular consequence: missense variant.
Genome position (GRCh38, 1-based): chr5:148,094,364, A>G. VCF-style: chr5-148094364-A-G. GRCh37 (hg19) VCF-style: chr5-147473927-A-G.
Other names: c.677A>G, p.Lys226Arg (NM_001127698.2, NM_001127699.2); short protein forms K226R.
Identifiers: ClinVar variation 529160 (VCV000529160.5), dbSNP rs370010334, ClinGen allele CA3495321.
Genomic context (GRCh38, chr5:148,094,364, plus strand): 5'-AATATCCTGAAATGAAATGAAGTAAAATAAATATAATTGTCTTTTCAAAGGATTTTTGCA[A>G]GGAATATGAAAAACAAGTGAGAAATGGAAGGCTTTTTTGTACACGGGAGAGTGATCCAGT-3'
Protein context (NP_006837.2, residues 216-236): IRRNAEKDFC[Lys226Arg]EYEKQVRNGR

ClinVar aggregate classification (germline): Uncertain significance. Review status: criteria provided, multiple submitters, no conflicts (2 of 4 stars). 2 submissions from 2 submitters: Uncertain significance (2). Last evaluated 2021-10-27.

Conditions:
Netherton syndrome (NETH). Also called: ERYTHRODERMA, ICHTHYOSIFORM, WITH HYPOTRICHOSIS AND HYPER-IgE; COMEL-NETHERTON SYNDROME; NETHERTON DISEASE. Identifiers: Orphanet 634, MedGen C5574950, MONDO:0009735, OMIM 256500.

Allele frequency attached by ClinVar (database versions not stated): ExAC 0.00003; gnomAD exomes 0.00003 and 0.00007; gnomAD 0.00006; ESP Exome Variant Server 0.00008; TOPMed 0.00010.
gnomAD v4.1: 103 of 1,612,324 alleles (0.0064%); highest among the groups gnomAD compares: Non-Finnish European, 0.0087%; no homozygotes.

Submissions (2):

Labcorp Genetics (formerly Invitae), Labcorp
Classification: Uncertain significance for Ichthyosis linearis circumflexa. Last evaluated: 2021-10-27. Review status: criteria provided, single submitter. Criteria: Invitae Variant Classification Sherloc (09022015). Collection method: clinical testing. Allele origin: germline.
Comment: This sequence change replaces lysine, a(n) basic and polar amino acid, with arginine, a(n) basic and polar amino acid, at codon 226 of the SPINK5 protein (p.Lys226Arg). This variant is present in population databases (rs370010334, gnomAD 0.006%). This variant has not been reported in the literature in individuals affected with SPINK5-related conditions. ClinVar contains an entry for this variant (Variation ID: 529160). Algorithms developed to predict the effect of missense changes on protein structure and function are either unavailable or do not agree on the potential impact of this missense change (SIFT: "Deleterious"; PolyPhen-2: "Benign"; Align-GVGD: "Class C0"). Algorithms developed to predict the effect of sequence changes on RNA splicing suggest that this variant may create or strengthen a splice site. In summary, the available evidence is currently insufficient to determine the role of this variant in disease. Therefore, it has been classified as a Variant of Uncertain Significance.

GeneDx
Classification: Uncertain significance. Last evaluated: 2019-11-04. Review status: criteria provided, single submitter. Criteria: GeneDx Variant Classification Process June 2021. Collection method: clinical testing. Allele origin: germline. Affected: yes.
Comment: In silico analysis, which includes protein predictors and evolutionary conservation, supports that this variant does not alter protein structure/function; Has not been previously published as pathogenic or benign to our knowledge